The following is an entry in ClinVar:

NM_002661.5(PLCG2):c.2488G>A (p.Ala830Thr)

Gene: PLCG2 (phospholipase C gamma 2; plus strand). Cytogenetic location: 16q23.3.
Variant type: single nucleotide variant.
Coding change: c.2488G>A on transcript NM_002661.5 (MANE Select); coding-DNA position 2488, G replaced by A.
Protein change: p.Ala830Thr; replaces alanine 830 with threonine.
Molecular consequence: missense variant.
Genome position (GRCh38, 1-based): chr16:81,927,152, G>A. VCF-style: chr16-81927152-G-A. GRCh37 (hg19) VCF-style: chr16-81960757-G-A.
Other names: c.2488G>A (NM_002661.3); short protein forms A830T.
Identifiers: ClinVar variation 1163584 (VCV001163584.8), dbSNP rs1166796739, ClinGen allele CA396902791.

ClinVar aggregate classification (germline): Uncertain significance. Review status: criteria provided, multiple submitters, no conflicts (2 of 4 stars). 3 submissions from 3 submitters: Uncertain significance (3). Last evaluated 2025-06-17.

Conditions:
Familial cold autoinflammatory syndrome 3 (FCAS3). Also called: FAMILIAL ATYPICAL COLD URTICARIA; ANTIBODY DEFICIENCY AND IMMUNE DYSREGULATION, PLCG2-ASSOCIATED. Identifiers: Orphanet 300359, MedGen C3280914, MONDO:0013766, OMIM 614468.
Inborn genetic diseases. Identifiers: MedGen C0950123, MeSH D030342.

Allele frequency attached by ClinVar (database versions not stated): gnomAD exomes below 0.00001; TOPMed below 0.00001; gnomAD 0.00001.
gnomAD v4.1: 3 of 1,612,866 alleles (0.00019%); highest among the groups gnomAD compares: African/African-American, 0.0027%; no homozygotes.

Submissions (3):

Labcorp Genetics (formerly Invitae), Labcorp
Classification: Uncertain significance for Familial cold autoinflammatory syndrome 3. Last evaluated: 2025-06-17. Review status: criteria provided, single submitter. Criteria: Invitae Variant Classification Sherloc (09022015). Collection method: clinical testing. Allele origin: germline.
Comment: This sequence change replaces alanine, which is neutral and non-polar, with threonine, which is neutral and polar, at codon 830 of the PLCG2 protein (p.Ala830Thr). This variant is not present in population databases (gnomAD no frequency). This variant has not been reported in the literature in individuals affected with PLCG2-related conditions. ClinVar contains an entry for this variant (Variation ID: 1163584). An algorithm developed to predict the effect of missense changes on protein structure and function (PolyPhen-2) suggests that this variant is likely to be tolerated. In summary, the available evidence is currently insufficient to determine the role of this variant in disease. Therefore, it has been classified as a Variant of Uncertain Significance.

Ambry Genetics
Classification: Uncertain significance for Inborn genetic diseases. Last evaluated: 2023-07-05. Review status: criteria provided, single submitter. Criteria: Ambry Variant Classification Scheme 2023. Collection method: clinical testing. Allele origin: germline.

Mayo Clinic Laboratories, Mayo Clinic
Classification: Uncertain significance. Last evaluated: 2020-03-23. Review status: criteria provided, single submitter. Criteria: ACMG Guidelines, 2015. Collection method: clinical testing. Allele origin: germline. Observed: 1 variant allele.